The following is an entry in ClinVar:

NM_000719.7(CACNA1C):c.1558G>A (p.Ala520Thr)

Gene: CACNA1C (calcium voltage-gated channel subunit alpha1 C; plus strand). Cytogenetic location: 12p13.33.
Variant type: single nucleotide variant.
Coding change: c.1558G>A on transcript NM_000719.7 (MANE Select); coding-DNA position 1558, G replaced by A.
Protein change: p.Ala520Thr; replaces alanine 520 with threonine.
Molecular consequence: missense variant.
Genome position (GRCh38, 1-based): chr12:2,566,471, G>A. VCF-style: chr12-2566471-G-A. GRCh37 (hg19) VCF-style: chr12-2675637-G-A.
Other names: c.1558G>A, p.Ala520Thr (NM_001129827.2, NM_001129829.2, NM_001129830.3 and 18 more transcripts); c.1549G>A, p.Ala517Thr (NM_001129844.2); short protein forms A520T, A517T.
Identifiers: ClinVar variation 308135 (VCV000308135.10), dbSNP rs755167125, ClinGen allele CA6388816.

ClinVar aggregate classification (germline): Uncertain significance. Review status: criteria provided, multiple submitters, no conflicts (2 of 4 stars). 2 submissions from 2 submitters: Uncertain significance (2). Last evaluated 2025-12-29.

Conditions:
Long QT syndrome (LQTS). Identifiers: MedGen C0023976, MeSH D008133, MONDO:0002442. Disease mechanism: loss of function. Inheritance: Various modes of inheritance.

Allele frequency attached by ClinVar (database versions not stated): TOPMed below 0.00001; ExAC 0.00002; gnomAD 0.00002.
gnomAD v4.1: 36 of 1,595,466 alleles (0.0023%); highest among the groups gnomAD compares: East Asian, 0.0045%; no homozygotes.

Submissions (2):

Labcorp Genetics (formerly Invitae), Labcorp
Classification: Uncertain significance for Long QT syndrome. Last evaluated: 2025-12-29. Review status: criteria provided, single submitter. Criteria: Invitae Variant Classification Sherloc (09022015). Collection method: clinical testing. Allele origin: germline.
Comment: This sequence change replaces alanine, which is neutral and non-polar, with threonine, which is neutral and polar, at codon 520 of the CACNA1C protein (p.Ala520Thr). The frequency data for this variant in the population databases is considered unreliable, as metrics indicate poor data quality at this position in the gnomAD database. This missense change has been observed in individual(s) with arrhythmia (PMID: 30847666, 40526200). ClinVar contains an entry for this variant (Variation ID: 308135). Invitae Evidence Modeling of protein sequence and biophysical properties (such as structural, functional, and spatial information, amino acid conservation, physicochemical variation, residue mobility, and thermodynamic stability) has been performed for this missense variant. However, the output from this modeling did not meet the statistical confidence thresholds required to predict the impact of this variant on CACNA1C protein function. In summary, the available evidence is currently insufficient to determine the role of this variant in disease. Therefore, it has been classified as a Variant of Uncertain Significance.

Blueprint Genetics
Classification: Uncertain significance. Last evaluated: 2023-09-13. Review status: criteria provided, single submitter. Criteria: ACMG Guidelines, 2015. Collection method: clinical testing. Allele origin: germline.

Literature cited by the submitters: PubMed 30847666 (cited by Labcorp Genetics (formerly Invitae), Labcorp); PubMed 40526200 (cited by Labcorp Genetics (formerly Invitae), Labcorp).